The following is an entry in ClinVar:

NM_006379.5(SEMA3C):c.1160T>C (p.Met387Thr)

Gene: SEMA3C (semaphorin 3C; minus strand). Cytogenetic location: 7q21.11.
Variant type: single nucleotide variant.
Coding change: c.1160T>C on transcript NM_006379.5 (MANE Select); coding-DNA position 1160, T replaced by C.
Protein change: p.Met387Thr; replaces methionine 387 with threonine.
Molecular consequence: missense variant.
Genome position (GRCh38, 1-based): chr7:80,789,500, A>G on the plus strand (T>C on the coding strand, the complement: SEMA3C is on the minus strand). VCF-style: chr7-80789500-A-G. GRCh37 (hg19) VCF-style: chr7-80418816-A-G.
Other names: c.1214T>C, p.Met405Thr (NM_001350120.2); c.986T>C, p.Met329Thr (NM_001350121.2); short protein forms M405T, M387T, M329T.
Identifiers: ClinVar variation 4998188 (VCV004998188.1).

ClinVar aggregate classification (germline): Uncertain significance (1 of 4 stars; one submission).

Conditions:
SEMA3C-related disorder. Also called: SEMA3C-related condition.

gnomAD v4.1: 6 of 1,613,286 alleles (0.00037%); highest among the groups gnomAD compares: Admixed American, 0.005%; no homozygotes.

Submission:

PreventionGenetics, part of Exact Sciences
Classification: Uncertain significance for SEMA3C-related condition. Last evaluated: 2024-10-11. Review status: criteria provided, single submitter. Criteria: ACMG Guidelines, 2015. Collection method: clinical testing. Allele origin: germline.
Comment: The SEMA3C c.1214T>C variant is predicted to result in the amino acid substitution p.Met405Thr. To our knowledge, this variant has not been reported in the literature. This variant is reported in 0.0087% of alleles in individuals of Latino descent in gnomAD. At this time, the clinical significance of this variant is uncertain due to the absence of conclusive functional and genetic evidence.